The following is an entry in ClinVar:

ClinVar aggregate classification (germline): Benign. Review status: criteria provided, multiple submitters, no conflicts (2 of 4 stars). 2 submissions from 2 submitters: Benign (2). Last evaluated 2018-01-13.

Conditions:
Glycogen storage disease IXb (GSD9B). Also called: GLYCOGENOSIS OF LIVER AND MUSCLE, AUTOSOMAL RECESSIVE; GSD IXb; PHOSPHORYLASE KINASE DEFICIENCY OF LIVER AND MUSCLE, AUTOSOMAL RECESSIVE. Identifiers: Orphanet 79240, MedGen C0543514, MONDO:0009868, OMIM 261750.

Allele frequency attached by ClinVar (database versions not stated): TOPMed 0.99230; 1000 Genomes Project 0.99641; 1000 Genomes Project 30x 0.99641.

Submissions (2):

Illumina Laboratory Services, Illumina
Classification: Benign for Glycogen storage disease IXb. Last evaluated: 2018-01-13. Review status: criteria provided, single submitter. Criteria: ICSL Variant Classification Criteria 13 December 2019. Collection method: clinical testing. Allele origin: germline.
Comment: This variant was observed in the ICSL laboratory as part of a predisposition screen in an ostensibly healthy population. It had not been previously curated by ICSL or reported in the Human Gene Mutation Database (HGMD: prior to June 1st, 2018), and was therefore a candidate for classification through an automated scoring system. Utilizing variant allele frequency, disease prevalence and penetrance estimates, and inheritance mode, an automated score was calculated to assess if this variant is too frequent to cause the disease. Based on the score and internal cut-off values, a variant classified as benign is not then subjected to further curation. The score for this variant resulted in a classification of benign for this disease.

Breakthrough Genomics
Classification: Benign. Review status: criteria provided, single submitter. Criteria: ACMG Guidelines, 2015. Collection method: not provided. Allele origin: germline. Inheritance: Autosomal recessive inheritance. Affected: yes.

NM_000293.3(PHKB):c.*1753G>A

Gene: PHKB (phosphorylase kinase regulatory subunit beta; plus strand). Cytogenetic location: 16q12.1.
Variant type: single nucleotide variant.
Coding change: c.*1753G>A on transcript NM_000293.3 (MANE Select); 1753 bases downstream of the stop codon, G replaced by A.
Molecular consequence: 3 prime UTR variant.
Genome position (GRCh38, 1-based): chr16:47,701,119, G>A. VCF-style: chr16-47701119-G-A. GRCh37 (hg19) VCF-style: chr16-47735030-G-A.
Other names: c.*1753G>A (NM_001031835.3, NM_001363837.1).
Identifiers: ClinVar variation 319385 (VCV000319385.6), dbSNP rs7202866, ClinGen allele CA10643692.